The following is an entry in ClinVar:

ClinVar aggregate classification (germline): Uncertain significance (1 of 4 stars; one submission).

gnomAD v4.1: 1 of 1,613,640 alleles (0.000062%); highest among the groups gnomAD compares: Non-Finnish European, 0.000085%; no homozygotes.

Submission:

Labcorp Genetics (formerly Invitae), Labcorp
Classification: Uncertain significance. Last evaluated: 2025-04-20. Review status: criteria provided, single submitter. Criteria: Invitae Variant Classification Sherloc (09022015). Collection method: clinical testing. Allele origin: germline.
Comment: This sequence change replaces valine, which is neutral and non-polar, with isoleucine, which is neutral and non-polar, at codon 405 of the SMAD2 protein (p.Val405Ile). This variant is present in population databases (no rsID available, gnomAD 0.01%). This variant has not been reported in the literature in individuals affected with SMAD2-related conditions. Invitae Evidence Modeling of protein sequence and biophysical properties (such as structural, functional, and spatial information, amino acid conservation, physicochemical variation, residue mobility, and thermodynamic stability) indicates that this missense variant is expected to disrupt SMAD2 protein function with a positive predictive value of 80%. In summary, the available evidence is currently insufficient to determine the role of this variant in disease. Therefore, it has been classified as a Variant of Uncertain Significance.

NM_005901.6(SMAD2):c.1213G>A (p.Val405Ile)

Gene: SMAD2 (SMAD family member 2; minus strand). Cytogenetic location: 18q21.1.
Variant type: single nucleotide variant.
Coding change: c.1213G>A on transcript NM_005901.6 (MANE Select); coding-DNA position 1213, G replaced by A.
Protein change: p.Val405Ile; replaces valine 405 with isoleucine.
Molecular consequence: missense variant.
Genome position (GRCh38, 1-based): chr18:47,845,407, C>T on the plus strand (G>A on the coding strand, the complement: SMAD2 is on the minus strand). VCF-style: chr18-47845407-C-T. GRCh37 (hg19) VCF-style: chr18-45371778-C-T.
Other names: c.1213G>A, p.Val405Ile (NM_001003652.4); c.1123G>A, p.Val375Ile (NM_001135937.3); short protein forms V405I, V375I.
Identifiers: ClinVar variation 4744723 (VCV004744723.1).